The following is an entry in ClinVar:

NM_001082971.2(DDC):c.652C>A (p.Arg218Ser)

Gene: DDC (dopa decarboxylase; minus strand). Cytogenetic location: 7p12.1.
Variant type: single nucleotide variant.
Coding change: c.652C>A on transcript NM_001082971.2 (MANE Select); coding-DNA position 652, C replaced by A.
Protein change: p.Arg218Ser; replaces arginine 218 with serine.
Molecular consequence: missense variant. On other transcripts: intron variant (2).
Genome position (GRCh38, 1-based): chr7:50,528,199, G>T on the plus strand (C>A on the coding strand, the complement: DDC is on the minus strand). VCF-style: chr7-50528199-G-T. GRCh37 (hg19) VCF-style: chr7-50595897-G-T.
Other names: c.652C>A, p.Arg218Ser (NM_000790.4, NM_001242890.2); c.538C>A, p.Arg180Ser (NM_001242886.2); c.418C>A, p.Arg140Ser (NM_001242888.2); c.435+9661C>A (NM_001242889.2); c.570+1009C>A (NM_001242887.2); short protein forms R140S, R180S, R218S.
Identifiers: ClinVar variation 1433852 (VCV001433852.6), dbSNP rs765007524, ClinGen allele CA4262310.

ClinVar aggregate classification (germline): Uncertain significance (1 of 4 stars; one submission).

Conditions:
Deficiency of aromatic-L-amino-acid decarboxylase. Also called: AADC DEFICIENCY; DDC DEFICIENCY; DOPA DECARBOXYLASE DEFICIENCY; Aromatic amino acid decarboxylase deficiency; Aromatic L-Amino Acid Decarboxylase Deficiency. Identifiers: Orphanet 35708, MedGen C1291564, MONDO:0012084, OMIM 608643.

Allele frequency attached by ClinVar (database versions not stated): gnomAD 0.00001.

Submission:

Labcorp Genetics (formerly Invitae), Labcorp
Classification: Uncertain significance for Deficiency of aromatic-L-amino-acid decarboxylase. Last evaluated: 2022-05-20. Review status: criteria provided, single submitter. Criteria: Invitae Variant Classification Sherloc (09022015). Collection method: clinical testing. Allele origin: germline.
Comment: This variant has not been reported in the literature in individuals affected with DDC-related conditions. This variant is present in population databases (rs765007524, gnomAD 0.01%). This sequence change replaces arginine, which is basic and polar, with serine, which is neutral and polar, at codon 218 of the DDC protein (p.Arg218Ser). Algorithms developed to predict the effect of missense changes on protein structure and function (SIFT, PolyPhen-2, Align-GVGD) all suggest that this variant is likely to be disruptive. In summary, the available evidence is currently insufficient to determine the role of this variant in disease. Therefore, it has been classified as a Variant of Uncertain Significance.